The following is an entry in ClinVar:

NM_032447.5(FBN3):c.1319C>T (p.Thr440Ile)

Gene: FBN3 (fibrillin 3; minus strand). Cytogenetic location: 19p13.2.
Variant type: single nucleotide variant.
Coding change: c.1319C>T on transcript NM_032447.5 (MANE Select); coding-DNA position 1319, C replaced by T.
Protein change: p.Thr440Ile; replaces threonine 440 with isoleucine.
Molecular consequence: missense variant.
Genome position (GRCh38, 1-based): chr19:8,136,414, G>A on the plus strand (C>T on the coding strand, the complement: FBN3 is on the minus strand). VCF-style: chr19-8136414-G-A. GRCh37 (hg19) VCF-style: chr19-8201298-G-A.
Other names: c.1319C>T (NM_001321431.1); c.1319C>T, p.Thr440Ile (NM_001321431.2); short protein forms T440I.
Identifiers: ClinVar variation 1580783 (VCV001580783.10), dbSNP rs111701858, ClinGen allele CA9153394.

ClinVar aggregate classification (germline): Benign. Review status: criteria provided, single submitter (1 of 4 stars). 2 submissions from 2 submitters: Benign (1). 1 of the submissions does not count toward it. Last evaluated 2026-01-19.

Conditions:
FBN3-related disorder. Also called: FBN3-related condition.

Allele frequency attached by ClinVar (database versions not stated): gnomAD exomes 0.00117; ExAC 0.00146; gnomAD 0.00496 and 0.00530; TOPMed 0.00512; ESP Exome Variant Server 0.00515; 1000 Genomes Project 0.00599; 1000 Genomes Project 30x 0.00671.
gnomAD v4.1: 1,418 of 1,614,150 alleles (0.088%); highest among the groups gnomAD compares: African/African-American, 1.7%; 14 homozygotes.

Submissions (2):

Labcorp Genetics (formerly Invitae), Labcorp
Classification: Benign. Last evaluated: 2026-01-19. Review status: criteria provided, single submitter. Criteria: Invitae Variant Classification Sherloc (09022015). Collection method: clinical testing. Allele origin: germline.

PreventionGenetics, part of Exact Sciences
Classification: Benign for FBN3-related condition. Last evaluated: 2019-08-08. Review status: no assertion criteria provided. Collection method: clinical testing. Allele origin: germline. Not counted in ClinVar's aggregate classification.
Comment: This variant is classified as benign based on ACMG/AMP sequence variant interpretation guidelines (Richards et al. 2015 PMID: 25741868, with internal and published modifications).